The following is an entry in ClinVar:

ClinVar aggregate classification (germline): Conflicting classifications of pathogenicity. Review status: criteria provided, conflicting classifications (1 of 4 stars). 3 submissions from 3 submitters: Uncertain significance (2); Likely benign (1). Last evaluated 2026-06-10.

Conditions:
Hereditary cancer-predisposing syndrome. Also called: Hereditary neoplastic syndrome; Neoplastic Syndromes, Hereditary; Tumor predisposition; Hereditary Cancer Syndrome. Identifiers: Orphanet 140162, MedGen C0027672, MeSH D009386, MONDO:0015356.
Hereditary breast ovarian cancer syndrome. Also called: Hereditary breast and ovarian cancer syndrome; Hereditary breast and/or ovarian cancer syndrome; Hereditary breast and ovarian cancer; Hereditary breast and ovarian cancer syndrome (HBOC); BRCA1- and BRCA2-Associated Hereditary Breast and Ovarian Cancer; Breast and ovarian cancer. Identifiers: Orphanet 145, MedGen C0677776, MeSH D061325, MONDO:0003582. Disease mechanism: loss of function.

Submissions (3):

Ambry Genetics
Classification: Uncertain significance for Hereditary cancer-predisposing syndrome. Last evaluated: 2026-06-10. Review status: criteria provided, single submitter. Criteria: Ambry Variant Classification Scheme 2023. Collection method: clinical testing. Allele origin: germline.
Comment: The p.G1055C variant (also known as c.3163G>T), located in coding exon 9 of the BRCA1 gene, results from a G to T substitution at nucleotide position 3163. The glycine at codon 1055 is replaced by cysteine, an amino acid with highly dissimilar properties. This amino acid position is conserved. In addition, the in silico prediction for this alteration is inconclusive. Based on the available evidence, the clinical significance of this variant remains unclear.

Labcorp Genetics (formerly Invitae), Labcorp
Classification: Uncertain significance for Hereditary breast ovarian cancer syndrome. Last evaluated: 2025-10-13. Review status: criteria provided, single submitter. Criteria: Invitae Variant Classification Sherloc (09022015). Collection method: clinical testing. Allele origin: germline.
Comment: This sequence change replaces glycine, which is neutral and non-polar, with cysteine, which is neutral and slightly polar, at codon 1055 of the BRCA1 protein (p.Gly1055Cys). This variant is not present in population databases (gnomAD no frequency). This variant has not been reported in the literature in individuals affected with BRCA1-related conditions. ClinVar contains an entry for this variant (Variation ID: 1064208). Invitae Evidence Modeling of protein sequence and biophysical properties (such as structural, functional, and spatial information, amino acid conservation, physicochemical variation, residue mobility, and thermodynamic stability) indicates that this missense variant is not expected to disrupt BRCA1 protein function with a negative predictive value of 95%. In summary, the available evidence is currently insufficient to determine the role of this variant in disease. Therefore, it has been classified as a Variant of Uncertain Significance.

University of Washington Department of Laboratory Medicine, University of Washington
Classification: Likely benign for Hereditary cancer-predisposing syndrome. Last evaluated: 2023-03-23. Review status: criteria provided, single submitter. Criteria: Dines et al. (Genet Med. 2020). Collection method: curation. Allele origin: germline.
Comment: Missense variant in a coldspot region where missense variants are very unlikely to be pathogenic (PMID:31911673).

BRCA1 coldspot (exon 11 using historical exon numbering). Reclassification based on statistical prior probability

NM_007294.4(BRCA1):c.3163G>T (p.Gly1055Cys)

Gene: BRCA1 (BRCA1 DNA repair associated; minus strand). Cytogenetic location: 17q21.31.
Variant type: single nucleotide variant.
Coding change: c.3163G>T on transcript NM_007294.4 (MANE Select); coding-DNA position 3163, G replaced by T.
Protein change: p.Gly1055Cys; replaces glycine 1055 with cysteine.
Molecular consequence: missense variant. On other transcripts: intron variant (137).
Genome position (GRCh38, 1-based): chr17:43,092,368, C>A on the plus strand (G>T on the coding strand, the complement: BRCA1 is on the minus strand). VCF-style: chr17-43092368-C-A. GRCh37 (hg19) VCF-style: chr17-41244385-C-A.
Other names: c.2827G>T, p.Gly943Cys (NM_001407955.1, NM_001407956.1, NM_001407958.1 and 1 more transcripts); c.2830G>T, p.Gly944Cys (NM_001407957.1, NM_001407946.1, NM_001407947.1 and 6 more transcripts); c.3022G>T, p.Gly1008Cys (NM_007297.4, NM_001407692.1, NM_001407694.1 and 29 more transcripts); c.3163G>T, p.Gly1055Cys (NM_007300.4, NM_001407581.1, NM_001407582.1 and 30 more transcripts); c.647-1336G>T (NM_001408458.1, NM_001408469.1, NM_001408453.1 and 11 more transcripts); c.284-1336G>T (NM_001408512.1); c.407-1336G>T (NM_001408510.1); c.644-1336G>T (NM_001408470.1, NM_001408464.1, NM_001408468.1 and 3 more transcripts); and 41 more; short protein forms G1008C, G1055C, G984C, G988C, G1007C, G1014C, G1028C, G1029C.
Identifiers: ClinVar variation 1064208 (VCV001064208.13), dbSNP rs749417532, ClinGen allele CA10595657.